The following is an entry in ClinVar:

ClinVar aggregate classification (germline): Uncertain significance (1 of 4 stars; one submission).

Conditions:
Progressive familial heart block type IB (PFHB1B). Identifiers: Orphanet 871, MedGen C1970298, MONDO:0011474, OMIM 604559.

Submission:

Labcorp Genetics (formerly Invitae), Labcorp
Classification: Uncertain significance for Progressive familial heart block type IB. Last evaluated: 2024-01-18. Review status: criteria provided, single submitter. Criteria: Invitae Variant Classification Sherloc (09022015). Collection method: clinical testing. Allele origin: germline.
Comment: This sequence change replaces isoleucine, which is neutral and non-polar, with leucine, which is neutral and non-polar, at codon 201 of the TRPM4 protein (p.Ile201Leu). This variant is not present in population databases (gnomAD no frequency). This variant has not been reported in the literature in individuals affected with TRPM4-related conditions. Algorithms developed to predict the effect of missense changes on protein structure and function output the following: SIFT: "Not Available"; PolyPhen-2: "Benign"; Align-GVGD: "Not Available". The leucine amino acid residue is found in multiple mammalian species, which suggests that this missense change does not adversely affect protein function. In summary, the available evidence is currently insufficient to determine the role of this variant in disease. Therefore, it has been classified as a Variant of Uncertain Significance.

NM_017636.4(TRPM4):c.601A>C (p.Ile201Leu)

Gene: TRPM4 (transient receptor potential cation channel subfamily M member 4; plus strand). Cytogenetic location: 19q13.33.
Variant type: single nucleotide variant.
Coding change: c.601A>C on transcript NM_017636.4 (MANE Select); coding-DNA position 601, A replaced by C.
Protein change: p.Ile201Leu; replaces isoleucine 201 with leucine.
Molecular consequence: missense variant. On other transcripts: 5 prime UTR variant (1), intron variant (2).
Genome position (GRCh38, 1-based): chr19:49,168,412, A>C. VCF-style: chr19-49168412-A-C. GRCh37 (hg19) VCF-style: chr19-49671669-A-C.
Other names: c.601A>C, p.Ile201Leu (NM_001195227.2); c.-953A>C (NM_001321282.2); c.79A>C, p.Ile27Leu (NM_001321283.2); c.268-141A>C (NM_001321281.2); c.-237-141A>C (NM_001321285.2); short protein forms I201L, I27L.
Identifiers: ClinVar variation 2710130 (VCV002710130.3), dbSNP rs1967317100, ClinGen allele CA406791839.